The following is an entry in ClinVar:

NM_000282.4(PCCA):c.1847_1848del

Gene: PCCA (propionyl-CoA carboxylase subunit alpha; plus strand). Cytogenetic location: 13q32.3.
Variant type: Microsatellite.
Coding change: c.1847_1848del on transcript NM_000282.4 (MANE Select); coding-DNA positions 1847 to 1848, 2 bases deleted (GT; older notation c.1847_1848delGT).
Molecular consequence: splice acceptor variant. On other transcripts: intron variant (2).
Genome position (GRCh38, 1-based): chr13:100,449,253-100,449,254, GT deleted; deleting any 2 consecutive bases within chr13:100,449,251-100,449,254 gives the same sequence; the c. name uses the placement nearest the transcript's 3' end. VCF-style (leftmost placement, unchanged base first): chr13-100449250-AGT-A. GRCh37 (hg19) VCF-style: chr13-101101504-AGT-A.
Other names: c.1845+23522_1845+23523del (NM_001352605.2); c.900+23522_900+23523del (NM_001352611.2); c.1847_1848delGT (NM_000282.3).
Identifiers: ClinVar variation 2677493 (VCV002677493.7), dbSNP rs2548793417, ClinGen allele CA2695199771.

ClinVar aggregate classification (germline): Pathogenic/Likely pathogenic. Review status: criteria provided, multiple submitters, no conflicts (2 of 4 stars). 4 submissions from 4 submitters: Pathogenic (1); Likely pathogenic (3). Last evaluated 2025-05-27.

Conditions:
Propionic acidemia (PROP). Also called: GLYCINEMIA, KETOTIC; HYPERGLYCINEMIA WITH KETOACIDOSIS AND LEUKOPENIA; KETOTIC HYPERGLYCINEMIA. Identifiers: Orphanet 35, MedGen C0268579, MONDO:0011628, OMIM 606054, HP:0003571.

Submissions (4):

Natera, Inc.
Classification: Likely pathogenic for Propionic acidemia. Last evaluated: 2025-05-27. Review status: criteria provided, single submitter. Criteria: Natera Variant Classification Schema (03/2026). Collection method: clinical testing. Allele origin: germline.
Comment: The c.1847_1848delGT variant in PCCA is a frameshift variant predicted to shift the reading frame beginning at codon 616 and leads to a stop codon 40 codons downstream. This variant is expected to result in nonsense mediated decay, truncation, or a dysfunctional protein product. This variant is rare in the general population with a frequency below the threshold expected for the associated phenotype(s). Given the available evidence, this variant is classified as Likely Pathogenic.

Labcorp Genetics (formerly Invitae), Labcorp
Classification: Pathogenic for Propionic acidemia. Last evaluated: 2023-12-30. Review status: criteria provided, single submitter. Criteria: Invitae Variant Classification Sherloc (09022015). Collection method: clinical testing. Allele origin: germline.
Comment: This sequence change creates a premature translational stop signal (p.Cys616Serfs*40) in the PCCA gene. It is expected to result in an absent or disrupted protein product. Loss-of-function variants in PCCA are known to be pathogenic (PMID: 15464417). This variant is not present in population databases (gnomAD no frequency). This variant has not been reported in the literature in individuals affected with PCCA-related conditions. Algorithms developed to predict the effect of sequence changes on RNA splicing suggest that this variant may disrupt the consensus splice site. For these reasons, this variant has been classified as Pathogenic.

Baylor Genetics
Classification: Likely pathogenic for Propionic acidemia. Last evaluated: 2023-08-29. Review status: criteria provided, single submitter. Criteria: ACMG Guidelines, 2015. Collection method: clinical testing. Allele origin: unknown.

Juno Genomics, Hangzhou Juno Genomics, Inc
Classification: Likely pathogenic for Propionic acidemia. Review status: criteria provided, single submitter. Criteria: ACMG Guidelines, 2015. Collection method: clinical testing. Allele origin: germline.
Comment: Null variant in a gene where loss of function (LOF) is a known mechanism of disease.;Absent from controls (or at extremely low frequency if recessive) in Genome Aggregation Database.

Literature cited by the submitters: PubMed 15464417 (cited by Labcorp Genetics (formerly Invitae), Labcorp).